The following is an entry in ClinVar:

ClinVar aggregate classification (germline): Uncertain significance (1 of 4 stars; one submission).

Conditions:
Combined immunodeficiency due to OX40 deficiency. Also called: Immunodeficiency 16; OX40 DEFICIENCY. Identifiers: Orphanet 431149, MedGen C3810053, MONDO:0014268, OMIM 615593.

Allele frequency attached by ClinVar (database versions not stated): ESP Exome Variant Server 0.00015; TOPMed 0.00034.

Submission:

Labcorp Genetics (formerly Invitae), Labcorp
Classification: Uncertain significance for Combined immunodeficiency due to OX40 deficiency. Last evaluated: 2025-09-13. Review status: criteria provided, single submitter. Criteria: Invitae Variant Classification Sherloc (09022015). Collection method: clinical testing. Allele origin: germline.
Comment: This sequence change falls in intron 6 of the TNFRSF4 gene. It does not directly change the encoded amino acid sequence of the TNFRSF4 protein. It affects a nucleotide within the consensus splice site. This variant is not present in population databases (gnomAD no frequency). This variant has not been reported in the literature in individuals affected with TNFRSF4-related conditions. ClinVar contains an entry for this variant (Variation ID: 970491). Variants that disrupt the consensus splice site are a relatively common cause of aberrant splicing (PMID: 17576681, 9536098). Algorithms developed to predict the effect of sequence changes on RNA splicing suggest that this variant is not likely to affect RNA splicing. In summary, the available evidence is currently insufficient to determine the role of this variant in disease. Therefore, it has been classified as a Variant of Uncertain Significance.

Literature cited by the submitters: PubMed 17576681; PubMed 9536098.

NM_003327.4(TNFRSF4):c.763+6T>A

Gene: TNFRSF4 (TNF receptor superfamily member 4; minus strand). Cytogenetic location: 1p36.33.
Variant type: single nucleotide variant.
Coding change: c.763+6T>A on transcript NM_003327.4 (MANE Select); 6 bases into the intron after coding-DNA position 763, T replaced by A.
Molecular consequence: intron variant.
Genome position (GRCh38, 1-based): chr1:1,211,698, A>T on the plus strand (T>A on the coding strand, the complement: TNFRSF4 is on the minus strand). VCF-style: chr1-1211698-A-T. GRCh37 (hg19) VCF-style: chr1-1147078-A-T.
Identifiers: ClinVar variation 970491 (VCV000970491.9), dbSNP rs375875899, ClinGen allele CA16729480.
Genomic context (GRCh38, chr1:1,211,698, plus strand): 5'-AAAGGAGAGATTGGTGGGTGGGCCTCACCCGCCAGGAGCAGTGCGGCAGGGCCATGAGGC[A>T]CTCACCAGGGGGCTTGTGGGCATCGGGGGGCAGCCTCTGGTCCCTCCGGAGCAGGTACAG-3'